The following is an entry in ClinVar:

NM_005560.6(LAMA5):c.2479C>T (p.Arg827Cys)

Gene: LAMA5 (laminin subunit alpha 5; minus strand). Cytogenetic location: 20q13.33.
Variant type: single nucleotide variant.
Coding change: c.2479C>T on transcript NM_005560.6 (MANE Select); coding-DNA position 2479, C replaced by T.
Protein change: p.Arg827Cys; replaces arginine 827 with cysteine.
Molecular consequence: missense variant.
Genome position (GRCh38, 1-based): chr20:62,335,024, G>A on the plus strand (C>T on the coding strand, the complement: LAMA5 is on the minus strand). VCF-style: chr20-62335024-G-A. GRCh37 (hg19) VCF-style: chr20-60910080-G-A.
Other names: short protein forms R827C.
Identifiers: ClinVar variation 161636 (VCV000161636.5), dbSNP rs193920947, ClinGen allele CA174504.

ClinVar aggregate classification (germline): Uncertain significance. Review status: criteria provided, single submitter (1 of 4 stars). 2 submissions from 2 submitters: Uncertain significance (1). 1 of the submissions does not count toward it. Last evaluated 2022-07-19.

Conditions:
Inborn genetic diseases. Identifiers: MedGen C0950123, MeSH D030342.
Prostate cancer. Also called: Malignant tumor of prostate. Identifiers: Orphanet 1331, MedGen C0376358, MONDO:0008315, HP:0012125.

Allele frequency attached by ClinVar (database versions not stated): TOPMed 0.00006; gnomAD 0.00009 and 0.00008; ExAC 0.00013; gnomAD exomes 0.00009.
gnomAD v4.1: 55 of 1,612,394 alleles (0.0034%); highest among the groups gnomAD compares: African/African-American, 0.012%; no homozygotes.

Submissions (2):

Ambry Genetics
Classification: Uncertain significance for Inborn genetic diseases. Last evaluated: 2022-07-19. Review status: criteria provided, single submitter. Criteria: Ambry Variant Classification Scheme 2023. Collection method: clinical testing. Allele origin: germline.

Science for Life laboratory,  Karolinska Institutet
Classification: Uncertain significance for Malignant tumor of prostate. Review status: no assertion criteria provided. Collection method: not provided. Allele origin: somatic. Not counted in ClinVar's aggregate classification.
Comment: TumorID:SWE-2
ClinVar note: Converted during submission from Unknown to Uncertain significance.